The following is an entry in ClinVar:

NM_012254.3(SLC27A5):c.1696G>A (p.Glu566Lys)

Gene: SLC27A5 (solute carrier family 27 member 5; minus strand). Cytogenetic location: 19q13.43.
Variant type: single nucleotide variant.
Coding change: c.1696G>A on transcript NM_012254.3 (MANE Select); coding-DNA position 1696, G replaced by A.
Protein change: p.Glu566Lys; replaces glutamic acid 566 with lysine.
Molecular consequence: missense variant.
Genome position (GRCh38, 1-based): chr19:58,499,192, C>T on the plus strand (G>A on the coding strand, the complement: SLC27A5 is on the minus strand). VCF-style: chr19-58499192-C-T. GRCh37 (hg19) VCF-style: chr19-59010559-C-T.
Other names: c.1444G>A, p.Glu482Lys (NM_001321196.2); short protein forms E566K, E482K.
Identifiers: ClinVar variation 594311 (VCV000594311.7), dbSNP rs1189055667, ClinGen allele CA407947909.

ClinVar aggregate classification (germline): Uncertain significance. Review status: criteria provided, multiple submitters, no conflicts (2 of 4 stars). 2 submissions from 2 submitters: Uncertain significance (2). Last evaluated 2024-11-29.

gnomAD v4.1: 2 of 1,613,954 alleles (0.00012%); highest among the groups gnomAD compares: East Asian, 0.0022%; no homozygotes.

Submissions (2):

Labcorp Genetics (formerly Invitae), Labcorp
Classification: Uncertain significance. Last evaluated: 2024-11-29. Review status: criteria provided, single submitter. Criteria: Invitae Variant Classification Sherloc (09022015). Collection method: clinical testing. Allele origin: germline.
Comment: This sequence change replaces glutamic acid, which is acidic and polar, with lysine, which is basic and polar, at codon 566 of the SLC27A5 protein (p.Glu566Lys). This variant is not present in population databases (gnomAD no frequency). This variant has not been reported in the literature in individuals affected with SLC27A5-related conditions. ClinVar contains an entry for this variant (Variation ID: 594311). An algorithm developed to predict the effect of missense changes on protein structure and function (PolyPhen-2) suggests that this variant is likely to be disruptive. In summary, the available evidence is currently insufficient to determine the role of this variant in disease. Therefore, it has been classified as a Variant of Uncertain Significance.

Eurofins Ntd Llc (ga)
Classification: Uncertain significance. Last evaluated: 2017-10-03. Review status: criteria provided, single submitter. Criteria: EGL Classification Definitions 2015. Collection method: clinical testing. Allele origin: germline. Observed: 1 variant allele, 1 heterozygote.